The following is an entry in ClinVar:

NM_000059.4(BRCA2):c.4297G>T (p.Gly1433Trp)

Gene: BRCA2 (BRCA2 DNA repair associated; plus strand). Cytogenetic location: 13q13.1.
Variant type: single nucleotide variant.
Coding change: c.4297G>T on transcript NM_000059.4 (MANE Select); coding-DNA position 4297, G replaced by T.
Protein change: p.Gly1433Trp; replaces glycine 1433 with tryptophan.
Molecular consequence: missense variant.
Genome position (GRCh38, 1-based): chr13:32,338,652, G>T. VCF-style: chr13-32338652-G-T. GRCh37 (hg19) VCF-style: chr13-32912789-G-T.
Other names: short protein forms G1433W.
Identifiers: ClinVar variation 960323 (VCV000960323.12), dbSNP rs1036091086, ClinGen allele CA247507454.

ClinVar aggregate classification (germline): Conflicting classifications of pathogenicity. Review status: criteria provided, conflicting classifications (1 of 4 stars). 3 submissions from 3 submitters: Uncertain significance (2); Likely benign (1). Last evaluated 2025-07-31.

Conditions:
Hereditary cancer-predisposing syndrome. Also called: Tumor predisposition; Hereditary neoplastic syndrome; Neoplastic Syndromes, Hereditary; Hereditary Cancer Syndrome. Identifiers: Orphanet 140162, MedGen C0027672, MeSH D009386, MONDO:0015356.
Hereditary breast ovarian cancer syndrome. Also called: Hereditary breast and ovarian cancer; BRCA1- and BRCA2-Associated Hereditary Breast and Ovarian Cancer; Hereditary breast and/or ovarian cancer syndrome; Hereditary breast and ovarian cancer syndrome; Hereditary breast and ovarian cancer syndrome (HBOC); Breast and ovarian cancer. Identifiers: Orphanet 145, MedGen C0677776, MeSH D061325, MONDO:0003582. Disease mechanism: loss of function.

Allele frequency attached by ClinVar (database versions not stated): gnomAD exomes below 0.00001; TOPMed below 0.00001.
gnomAD v4.1: 1 of 1,598,024 alleles (0.000063%); highest among the groups gnomAD compares: Non-Finnish European, 0.000085%; no homozygotes.

Submissions (3):

Ambry Genetics
Classification: Uncertain significance for Hereditary cancer-predisposing syndrome. Last evaluated: 2025-07-31. Review status: criteria provided, single submitter. Criteria: Ambry Variant Classification Scheme 2023. Collection method: clinical testing. Allele origin: germline.
Comment: The p.G1433W variant (also known as c.4297G>T), located in coding exon 10 of the BRCA2 gene, results from a G to T substitution at nucleotide position 4297. The glycine at codon 1433 is replaced by tryptophan, an amino acid with highly dissimilar properties. This amino acid position is well conserved in available vertebrate species. In addition, the in silico prediction for this alteration is inconclusive. Based on the available evidence, the clinical significance of this variant remains unclear.

University of Washington Department of Laboratory Medicine, University of Washington
Classification: Likely benign for Hereditary cancer-predisposing syndrome. Last evaluated: 2023-03-23. Review status: criteria provided, single submitter. Criteria: Dines et al. (Genet Med. 2020). Collection method: curation. Allele origin: germline.
Comment: Missense variant in a coldspot region where missense variants are very unlikely to be pathogenic (PMID:31911673).

BRCA2 exon 11 coldspot. Reclassification based on statistical prior probability.

Labcorp Genetics (formerly Invitae), Labcorp
Classification: Uncertain significance for Hereditary breast ovarian cancer syndrome. Last evaluated: 2019-07-03. Review status: criteria provided, single submitter. Criteria: Invitae Variant Classification Sherloc (09022015). Collection method: clinical testing. Allele origin: germline.
Comment: Algorithms developed to predict the effect of missense changes on protein structure and function are either unavailable or do not agree on the potential impact of this missense change (SIFT: "Deleterious"; PolyPhen-2: "Probably Damaging"; Align-GVGD: "Class C0"). This sequence change replaces glycine with tryptophan at codon 1433 of the BRCA2 protein (p.Gly1433Trp). The glycine residue is highly conserved and there is a large physicochemical difference between glycine and tryptophan. This variant is not present in population databases (ExAC no frequency). This variant has not been reported in the literature in individuals with BRCA2-related conditions. In summary, the available evidence is currently insufficient to determine the role of this variant in disease. Therefore, it has been classified as a Variant of Uncertain Significance.